The following is an entry in ClinVar:

NM_001369.3(DNAH5):c.4973T>C (p.Ile1658Thr)

Gene: DNAH5 (dynein axonemal heavy chain 5; minus strand). Cytogenetic location: 5p15.2.
Variant type: single nucleotide variant.
Coding change: c.4973T>C on transcript NM_001369.3 (MANE Select); coding-DNA position 4973, T replaced by C.
Protein change: p.Ile1658Thr; replaces isoleucine 1658 with threonine.
Molecular consequence: missense variant.
Genome position (GRCh38, 1-based): chr5:13,850,793, A>G on the plus strand (T>C on the coding strand, the complement: DNAH5 is on the minus strand). VCF-style: chr5-13850793-A-G. GRCh37 (hg19) VCF-style: chr5-13850902-A-G.
Other names: p.Ile1658Thr; short protein forms I1658T.
Identifiers: ClinVar variation 3379581 (VCV003379581.2).

ClinVar aggregate classification (germline): Uncertain significance. Review status: criteria provided, multiple submitters, no conflicts (2 of 4 stars). 2 submissions from 2 submitters: Uncertain significance (2). Last evaluated 2025-09-04.

Conditions:
Primary ciliary dyskinesia. Also called: Ciliary dyskinesia. Identifiers: Orphanet 244, MedGen C0008780, MONDO:0016575, HP:0012265.

gnomAD v4.1: 6 of 1,614,204 alleles (0.00037%); highest among the groups gnomAD compares: African/African-American, 0.0053%; no homozygotes.

Submissions (2):

Ambry Genetics
Classification: Uncertain significance for Primary ciliary dyskinesia. Last evaluated: 2025-09-04. Review status: criteria provided, single submitter. Criteria: Ambry Variant Classification Scheme 2023. Collection method: clinical testing. Allele origin: germline.

Mayo Clinic Laboratories, Mayo Clinic
Classification: Uncertain significance. Last evaluated: 2023-11-09. Review status: criteria provided, single submitter. Criteria: ACMG Guidelines, 2015. Collection method: clinical testing. Allele origin: germline. Observed: 1 variant allele.
Comment: BP1, PM2